The following is an entry in ClinVar:

NM_001308093.3(GATA4):c.143T>C (p.Val48Ala)

Gene: GATA4 (GATA binding protein 4). Cytogenetic location: 8p23.1.
Variant type: single nucleotide variant.
Coding change: c.143T>C on transcript NM_001308093.3 (MANE Select); coding-DNA position 143, T replaced by C.
Protein change: p.Val48Ala; replaces valine 48 with alanine.
Molecular consequence: missense variant. On other transcripts: intron variant (3).
Genome position (GRCh38, 1-based): chr8:11,708,455, T>C. VCF-style: chr8-11708455-T-C. GRCh37 (hg19) VCF-style: chr8-11565964-T-C.
Other names: c.143T>C, p.Val48Ala (NM_002052.5); c.-6+7677T>C (NM_001308094.2); c.-3+441T>C (NM_001374274.1); c.-3+4151T>C (NM_001374273.1); short protein forms V48A.
Identifiers: ClinVar variation 1474946 (VCV001474946.10), dbSNP rs1272999942, ClinGen allele CA370308986.

ClinVar aggregate classification (germline): Uncertain significance. Review status: criteria provided, multiple submitters, no conflicts (2 of 4 stars). 2 submissions from 2 submitters: Uncertain significance (2). Last evaluated 2025-01-01.

Conditions:
Cardiovascular phenotype. Identifiers: MedGen CN230736.
Atrioventricular septal defect 4 (AVSD4). Identifiers: MedGen C3280781, MONDO:0013747, OMIM 614430.

Submissions (2):

Labcorp Genetics (formerly Invitae), Labcorp
Classification: Uncertain significance for Atrioventricular septal defect 4. Last evaluated: 2025-01-01. Review status: criteria provided, single submitter. Criteria: Invitae Variant Classification Sherloc (09022015). Collection method: clinical testing. Allele origin: germline.
Comment: This sequence change replaces valine, which is neutral and non-polar, with alanine, which is neutral and non-polar, at codon 48 of the GATA4 protein (p.Val48Ala). This variant is not present in population databases (gnomAD no frequency). This variant has not been reported in the literature in individuals affected with GATA4-related conditions. ClinVar contains an entry for this variant (Variation ID: 1474946). Invitae Evidence Modeling of protein sequence and biophysical properties (such as structural, functional, and spatial information, amino acid conservation, physicochemical variation, residue mobility, and thermodynamic stability) indicates that this missense variant is not expected to disrupt GATA4 protein function with a negative predictive value of 95%. In summary, the available evidence is currently insufficient to determine the role of this variant in disease. Therefore, it has been classified as a Variant of Uncertain Significance.

Ambry Genetics
Classification: Uncertain significance for Cardiovascular phenotype. Last evaluated: 2022-07-29. Review status: criteria provided, single submitter. Criteria: Ambry Variant Classification Scheme 2023. Collection method: clinical testing. Allele origin: germline.
Comment: The p.V48A variant (also known as c.143T>C), located in coding exon 1 of the GATA4 gene, results from a T to C substitution at nucleotide position 143. The valine at codon 48 is replaced by alanine, an amino acid with similar properties. This amino acid position is conserved. In addition, the in silico prediction for this alteration is inconclusive. Since supporting evidence is limited at this time, the clinical significance of this alteration remains unclear.